The following is an entry in ClinVar:

NM_020708.5(SLC12A5):c.64C>A (p.Pro22Thr)

Gene: SLC12A5 (solute carrier family 12 member 5; plus strand). Cytogenetic location: 20q13.12.
Variant type: single nucleotide variant.
Coding change: c.64C>A on transcript NM_020708.5 (MANE Select); coding-DNA position 64, C replaced by A.
Protein change: p.Pro22Thr; replaces proline 22 with threonine.
Molecular consequence: missense variant.
Genome position (GRCh38, 1-based): chr20:46,034,959, C>A. VCF-style: chr20-46034959-C-A. GRCh37 (hg19) VCF-style: chr20-44663598-C-A.
Other names: c.133C>A, p.Pro45Thr (NM_001134771.2); short protein forms P22T, P45T.
Identifiers: ClinVar variation 1003231 (VCV001003231.9), dbSNP rs2084483871, ClinGen allele CA409186867.

ClinVar aggregate classification (germline): Uncertain significance (1 of 4 stars; one submission).

Conditions:
Developmental and epileptic encephalopathy, 34 (DEE34). Also called: SLC12A5-Related Epilepsy of Infancy with Migrating Focal Seizures; Early infantile epileptic encephalopathy 34. Identifiers: Orphanet 293181, MedGen C4225257, MONDO:0014718, OMIM 616645.

Allele frequency attached by ClinVar (database versions not stated): gnomAD exomes 0.00001.

Submission:

Labcorp Genetics (formerly Invitae), Labcorp
Classification: Uncertain significance for Developmental and epileptic encephalopathy, 34. Last evaluated: 2020-08-19. Review status: criteria provided, single submitter. Criteria: Invitae Variant Classification Sherloc (09022015). Collection method: clinical testing. Allele origin: germline.
Comment: This variant has not been reported in the literature in individuals with SLC12A5-related conditions. This sequence change replaces proline with threonine at codon 22 of the SLC12A5 protein (p.Pro22Thr). The proline residue is moderately conserved and there is a small physicochemical difference between proline and threonine. This variant is not present in population databases (ExAC no frequency). Algorithms developed to predict the effect of missense changes on protein structure and function (SIFT, PolyPhen-2, Align-GVGD) all suggest that this variant is likely to be tolerated, but these predictions have not been confirmed by published functional studies and their clinical significance is uncertain. In summary, the available evidence is currently insufficient to determine the role of this variant in disease. Therefore, it has been classified as a Variant of Uncertain Significance.